The following is an entry in ClinVar:

ClinVar aggregate classification (germline): Likely pathogenic (1 of 4 stars; one submission).

Conditions:
Jeune thoracic dystrophy. Also called: Jeune syndrome; Infantile thoracic dystrophy; Thoracic pelvic phalangeal dystrophy; Jeune's syndrome; Chondroectodermal dysplasia-like syndrome; Short-rib thoracic dysplasia. Identifiers: Orphanet 474, MedGen C0265275, MONDO:0018770.

Submission:

Labcorp Genetics (formerly Invitae), Labcorp
Classification: Likely pathogenic for Jeune thoracic dystrophy. Last evaluated: 2023-06-16. Review status: criteria provided, single submitter. Criteria: Invitae Variant Classification Sherloc (09022015). Collection method: clinical testing. Allele origin: germline.
Comment: In summary, the currently available evidence indicates that the variant is pathogenic, but additional data are needed to prove that conclusively. Therefore, this variant has been classified as Likely Pathogenic. Algorithms developed to predict the effect of sequence changes on RNA splicing suggest that this variant may disrupt the consensus splice site. This variant has not been reported in the literature in individuals affected with DYNC2H1-related conditions. This variant is not present in population databases (gnomAD no frequency). This sequence change affects a donor splice site in intron 29 of the DYNC2H1 gene. It is expected to disrupt RNA splicing. Variants that disrupt the donor or acceptor splice site typically lead to a loss of protein function (PMID: 16199547), and loss-of-function variants in DYNC2H1 are known to be pathogenic (PMID: 23339108, 32753734).

Literature cited by the submitters: PubMed 16199547; PubMed 23339108; PubMed 32753734.

NM_001377.3(DYNC2H1):c.4491+2T>C

Gene: DYNC2H1 (dynein cytoplasmic 2 heavy chain 1; plus strand). Cytogenetic location: 11q22.3.
Variant type: single nucleotide variant.
Coding change: c.4491+2T>C on transcript NM_001377.3 (MANE Select); the canonical splice donor site of the intron after coding-DNA position 4491, T replaced by C.
Molecular consequence: splice donor variant.
Genome position (GRCh38, 1-based): chr11:103,161,046, T>C. VCF-style: chr11-103161046-T-C. GRCh37 (hg19) VCF-style: chr11-103031775-T-C.
Other names: c.4491+2T>C (NM_001080463.2).
Identifiers: ClinVar variation 2760488 (VCV002760488.3), dbSNP rs2497087696, ClinGen allele CA382239016.